The following is an entry in ClinVar:

NM_005222.4(DLX6):c.725C>T (p.Ala242Val)

Genes: DLX6-AS1 (DLX6 antisense RNA 1; minus strand), DLX6 (distal-less homeobox 6; plus strand). Cytogenetic location: 7q21.3.
Variant type: single nucleotide variant.
Coding change: c.725C>T on transcript NM_005222.4 (MANE Select); coding-DNA position 725, C replaced by T.
Protein change: p.Ala242Val; replaces alanine 242 with valine.
Molecular consequence: missense variant.
Genome position (GRCh38, 1-based): chr7:97,009,890, C>T. VCF-style: chr7-97009890-C-T. GRCh37 (hg19) VCF-style: chr7-96639202-C-T.
Other names: c.725C>T (NM_005222.3); short protein forms A242V.
Identifiers: ClinVar variation 1388548 (VCV001388548.9), dbSNP rs763456945, ClinGen allele CA4353841.

ClinVar aggregate classification (germline): Uncertain significance. Review status: criteria provided, multiple submitters, no conflicts (2 of 4 stars). 2 submissions from 2 submitters: Uncertain significance (2). Last evaluated 2025-08-14.

Allele frequency attached by ClinVar (database versions not stated): gnomAD 0.00002; ExAC 0.00005; TOPMed 0.00005; gnomAD exomes 0.00007.

Submissions (2):

Ambry Genetics
Classification: Uncertain significance. Last evaluated: 2025-08-14. Review status: criteria provided, single submitter. Criteria: Ambry Variant Classification Scheme 2023. Collection method: clinical testing. Allele origin: germline.

Labcorp Genetics (formerly Invitae), Labcorp
Classification: Uncertain significance. Last evaluated: 2024-03-15. Review status: criteria provided, single submitter. Criteria: Invitae Variant Classification Sherloc (09022015). Collection method: clinical testing. Allele origin: germline.
Comment: This sequence change replaces alanine, which is neutral and non-polar, with valine, which is neutral and non-polar, at codon 242 of the DLX6 protein (p.Ala242Val). This variant is present in population databases (rs763456945, gnomAD 0.02%). This variant has not been reported in the literature in individuals affected with DLX6-related conditions. ClinVar contains an entry for this variant (Variation ID: 1388548). An algorithm developed to predict the effect of missense changes on protein structure and function (PolyPhen-2) suggests that this variant is likely to be tolerated. In summary, the available evidence is currently insufficient to determine the role of this variant in disease. Therefore, it has been classified as a Variant of Uncertain Significance.